The following is an entry in ClinVar:

ClinVar aggregate classification (germline): Pathogenic (1 of 4 stars; one submission).

Conditions:
Developmental and epileptic encephalopathy, 12 (DEE12). Identifiers: MedGen C3150988, MONDO:0013389, OMIM 613722.

Submission:

Labcorp Genetics (formerly Invitae), Labcorp
Classification: Pathogenic for Developmental and epileptic encephalopathy, 12. Last evaluated: 2022-05-06. Review status: criteria provided, single submitter. Criteria: Invitae Variant Classification Sherloc (09022015). Collection method: clinical testing. Allele origin: germline.
Comment: For these reasons, this variant has been classified as Pathogenic. Algorithms developed to predict the effect of sequence changes on RNA splicing suggest that this variant may disrupt the consensus splice site. This variant has not been reported in the literature in individuals affected with PNKP-related conditions. The frequency data for this variant in the population databases is considered unreliable, as metrics indicate poor data quality at this position in the gnomAD database. This sequence change creates a premature translational stop signal (p.Glu356Serfs*6) in the PNKP gene. It is expected to result in an absent or disrupted protein product. Loss-of-function variants in PNKP are known to be pathogenic (PMID: 20118933, 25728773).

Literature cited by the submitters: PubMed 20118933; PubMed 25728773.

NM_007254.4(PNKP):c.1065del (p.Glu356fs)

Gene: PNKP (polynucleotide kinase 3'-phosphatase; minus strand). Cytogenetic location: 19q13.33.
Variant type: Deletion.
Coding change: c.1065del on transcript NM_007254.4 (MANE Select); coding-DNA position 1065, one base deleted (C; older notation c.1065delC).
Protein change: p.Glu356fs; shifts the reading frame from glutamic acid 356.
Molecular consequence: frameshift variant.
Genome position (GRCh38, 1-based): chr19:49,862,246, G deleted on the plus strand (C on the coding strand, the reverse complement: PNKP is on the minus strand); the first of 4 consecutive G bases (chr19:49,862,246-49,862,249); deleting any one gives the same sequence. VCF-style (leftmost placement, unchanged base first): chr19-49862245-CG-C. GRCh37 (hg19) VCF-style: chr19-50365502-CG-C.
Other names: short protein forms E356fs.
Identifiers: ClinVar variation 2414779 (VCV002414779.8), dbSNP rs780627462, ClinGen allele CA9586626.
Genomic context (GRCh38, chr19:49,862,245, plus strand): 5'-CCCCAGGGAATCCCACTGCGACAACCACCTCCGGGCTGGCGCTCAGGAGGGCCCTGGACT[CG>C]GGGAGGCAGAGAGGCCCTGAGCGGGAGACAGTCCTCTGCGAGGGGCGGGGGACACGCGTG-3'